The following is an entry in ClinVar:

ClinVar aggregate classification (germline): Pathogenic. Review status: criteria provided, multiple submitters, no conflicts (2 of 4 stars). 4 submissions from 4 submitters: Pathogenic (3). 1 of the submissions does not count toward it. Last evaluated 2025-07-03.

Conditions:
Hereditary nonpolyposis colorectal neoplasms. Identifiers: MedGen C0009405, MeSH D003123.
Hereditary cancer-predisposing syndrome. Also called: Hereditary Cancer Syndrome; Hereditary neoplastic syndrome; Neoplastic Syndromes, Hereditary; Tumor predisposition. Identifiers: Orphanet 140162, MedGen C0027672, MeSH D009386, MONDO:0015356.
Lynch syndrome 5 (LYNCH5). Also called: Hereditary non-polyposis colorectal cancer, type 5; Colorectal cancer, hereditary nonpolyposis, type 5. Identifiers: Orphanet 144, MedGen C1833477, MONDO:0013710, OMIM 614350. Disease mechanism: loss of function.

Allele frequency attached by ClinVar (database versions not stated): gnomAD exomes below 0.00001.

Submissions (4):

Ambry Genetics
Classification: Pathogenic for Hereditary cancer-predisposing syndrome. Last evaluated: 2025-07-03. Review status: criteria provided, single submitter. Criteria: Ambry Variant Classification Scheme 2023. Collection method: clinical testing. Allele origin: germline.
Comment: The c.2805_2806delTG pathogenic mutation, located in coding exon 4 of the MSH6 gene, results from a deletion of two nucleotides between nucleotide positions 2805 and 2806, causing a translational frameshift with a predicted alternate stop codon. This variant is considered to be rare based on population cohorts in the Genome Aggregation Database (gnomAD). In addition to the clinical data presented in the literature, this alteration is expected to result in loss of function by premature protein truncation or nonsense-mediated mRNA decay. As such, this alteration is interpreted as a disease-causing mutation.

Labcorp Genetics (formerly Invitae), Labcorp
Classification: Pathogenic for Hereditary nonpolyposis colorectal neoplasms. Last evaluated: 2024-09-05. Review status: criteria provided, single submitter. Criteria: Invitae Variant Classification Sherloc (09022015). Collection method: clinical testing. Allele origin: germline.
Comment: This sequence change creates a premature translational stop signal (p.Asp936Leufs*2) in the MSH6 gene. It is expected to result in an absent or disrupted protein product. Loss-of-function variants in MSH6 are known to be pathogenic (PMID: 18269114, 24362816). This variant is not present in population databases (gnomAD no frequency). This premature translational stop signal has been observed in individual(s) with endometrial cancer (PMID: 24933100). ClinVar contains an entry for this variant (Variation ID: 218056). For these reasons, this variant has been classified as Pathogenic.

Myriad Genetics, Inc.
Classification: Pathogenic for Lynch syndrome 5. Last evaluated: 2023-08-21. Review status: criteria provided, single submitter. Criteria: Myriad Autosomal Dominant, Autosomal Recessive and X-Linked Classification Criteria (2023). Collection method: clinical testing. Allele origin: unknown.
Comment: This variant is considered pathogenic. This variant creates a frameshift predicted to result in premature protein truncation.

Mayo Clinic Laboratories, Mayo Clinic
Classification: Likely pathogenic. Review status: no assertion criteria provided. Collection method: research. Allele origin: unknown. Observed: 1 variant allele. Not counted in ClinVar's aggregate classification.

Literature cited by the submitters: PubMed 24933100 (cited by Ambry Genetics and Labcorp Genetics (formerly Invitae), Labcorp); PubMed 18269114 (cited by Labcorp Genetics (formerly Invitae), Labcorp); PubMed 24362816 (cited by Labcorp Genetics (formerly Invitae), Labcorp).

NM_000179.3(MSH6):c.2805_2806del (p.Asp936fs)

Gene: MSH6 (mutS homolog 6; plus strand). Cytogenetic location: 2p16.3.
Variant type: Deletion.
Coding change: c.2805_2806del on transcript NM_000179.3 (MANE Select); coding-DNA positions 2805 to 2806, 2 bases deleted (TG; older notation c.2805_2806delTG).
Protein change: p.Asp936fs; shifts the reading frame from aspartic acid 936.
Molecular consequence: frameshift variant.
Genome position (GRCh38, 1-based): chr2:47,800,788-47,800,789, TG deleted. VCF-style (leftmost placement, unchanged base first): chr2-47800787-CTG-C. GRCh37 (hg19) VCF-style: chr2-48027926-CTG-C.
Other names: c.2415_2416del, p.Asp806fs (NM_001281492.2); c.1899_1900del, p.Asp634fs (NM_001281493.2, NM_001281494.2); c.2805_2806delTG (NM_000179.2); short protein forms D936fs, D634fs, D806fs.
Identifiers: ClinVar variation 218056 (VCV000218056.13), dbSNP rs863225403, ClinGen allele CA279815.